The following is an entry in ClinVar:

NM_080764.4(ZNF280B):c.1416C>T (p.Phe472=)

Genes: IGL (immunoglobulin lambda locus; plus strand), ZNF280B (zinc finger protein 280B; minus strand). Cytogenetic location: 22q11.22.
Variant type: single nucleotide variant.
Coding change: c.1416C>T on transcript NM_080764.4 (MANE Select); coding-DNA position 1416, C replaced by T.
Protein change: p.Phe472=; no amino-acid change (phenylalanine 472 retained).
Molecular consequence: synonymous variant. On other transcripts: non-coding transcript variant (1).
Genome position (GRCh38, 1-based): chr22:22,487,983, G>A on the plus strand (C>T on the coding strand, the complement: ZNF280B is on the minus strand). VCF-style: chr22-22487983-G-A. GRCh37 (hg19) VCF-style: chr22-22842308-G-A.
Identifiers: ClinVar variation 4873141 (VCV004873141.2).

ClinVar aggregate classification (germline): Likely benign (1 of 4 stars; one submission).

Submission:

CeGaT Center for Human Genetics Tuebingen
Classification: Likely benign. Last evaluated: 2026-05-01. Review status: criteria provided, single submitter. Criteria: CeGaT Center For Human Genetics Tuebingen Variant Classification Criteria Version 2. Collection method: clinical testing. Allele origin: germline. Affected: yes. Observed: 1 variant allele.
Comment: ZNF280B: PM2:Supporting, BP4, BP7